The following is an entry in ClinVar:

ClinVar aggregate classification (germline): Uncertain significance (1 of 4 stars; one submission).

Allele frequency attached by ClinVar (database versions not stated): gnomAD exomes below 0.00001.
gnomAD v4.1: 3 of 1,614,026 alleles (0.00019%); highest among the groups gnomAD compares: South Asian, 0.0022%; no homozygotes.

Submission:

Labcorp Genetics (formerly Invitae), Labcorp
Classification: Uncertain significance. Last evaluated: 2023-10-13. Review status: criteria provided, single submitter. Criteria: Invitae Variant Classification Sherloc (09022015). Collection method: clinical testing. Allele origin: germline.
Comment: This sequence change replaces isoleucine, which is neutral and non-polar, with threonine, which is neutral and polar, at codon 1355 of the POLR3A protein (p.Ile1355Thr). This variant is present in population databases (no rsID available, gnomAD 0.003%). This variant has not been reported in the literature in individuals affected with POLR3A-related conditions. ClinVar contains an entry for this variant (Variation ID: 1967563). Advanced modeling of protein sequence and biophysical properties (such as structural, functional, and spatial information, amino acid conservation, physicochemical variation, residue mobility, and thermodynamic stability) performed at Invitae indicates that this missense variant is not expected to disrupt POLR3A protein function. In summary, the available evidence is currently insufficient to determine the role of this variant in disease. Therefore, it has been classified as a Variant of Uncertain Significance.

NM_007055.4(POLR3A):c.4064T>C (p.Ile1355Thr)

Gene: POLR3A (RNA polymerase III subunit A; minus strand). Cytogenetic location: 10q22.3.
Variant type: single nucleotide variant.
Coding change: c.4064T>C on transcript NM_007055.4 (MANE Select); coding-DNA position 4064, T replaced by C.
Protein change: p.Ile1355Thr; replaces isoleucine 1355 with threonine.
Molecular consequence: missense variant.
Genome position (GRCh38, 1-based): chr10:77,977,587, A>G on the plus strand (T>C on the coding strand, the complement: POLR3A is on the minus strand). VCF-style: chr10-77977587-A-G. GRCh37 (hg19) VCF-style: chr10-79737345-A-G.
Other names: short protein forms I1355T.
Identifiers: ClinVar variation 1967563 (VCV001967563.5), dbSNP rs1226534677, ClinGen allele CA377325820.
Genomic context (GRCh38, chr10:77,977,587, plus strand): 5'-CTCTTGGGAGGGTTCGGGTCCCTGTCAGCCTTGTGAAGCAGCTTGAAGAGCCCGGTTCCA[A>G]TGTTCATTGGGATTCCCATGATGATGCACTCAGACACCCCTGAAACCAACCAGAATGAAC-3'
Protein context (NP_008986.2, residues 1345-1365): ECIIMGIPMN[Ile1355Thr]GTGLFKLLHK